The following is an entry in ClinVar:

ClinVar aggregate classification (germline): Conflicting classifications of pathogenicity. Review status: criteria provided, conflicting classifications (1 of 4 stars). 3 submissions from 3 submitters: Uncertain significance (1); Benign (1); Likely benign (1). Last evaluated 2023-08-10.

Submissions (3):

Labcorp Genetics (formerly Invitae), Labcorp
Classification: Benign. Last evaluated: 2023-08-10. Review status: criteria provided, single submitter. Criteria: Invitae Variant Classification Sherloc (09022015). Collection method: clinical testing. Allele origin: germline.

GeneDx
Classification: Likely benign. Last evaluated: 2022-11-18. Review status: criteria provided, single submitter. Criteria: GeneDx Variant Classification Process June 2021. Collection method: clinical testing. Allele origin: germline. Affected: yes.
Comment: See Variant Classification Assertion Criteria.

Blueprint Genetics
Classification: Uncertain significance. Last evaluated: 2017-08-24. Review status: criteria provided, single submitter. Criteria: ACMG Guidelines, 2015. Collection method: clinical testing. Allele origin: germline.

NM_001378452.1(ITPR1):c.1152-10dup

Gene: ITPR1 (inositol 1,4,5-trisphosphate receptor type 1; plus strand). Cytogenetic location: 3p26.1.
Variant type: Duplication.
Coding change: c.1152-10dup on transcript NM_001378452.1 (MANE Select); 10 bases into the intron before coding-DNA position 1152, one base duplicated (T; older notation c.1152-10dupT).
Molecular consequence: intron variant.
Genome position (GRCh38, 1-based): chr3:4,660,978, T duplicated; the last of 6 consecutive T bases (chr3:4,660,973-4,660,978); duplicating any one gives the same sequence. VCF-style (leftmost placement, unchanged base first): chr3-4660972-C-CT. GRCh37 (hg19) VCF-style: chr3-4702656-C-CT.
Other names: c.1152-10dup (NM_001099952.4); c.1107-10dup (NM_001168272.2, NM_002222.7).
Identifiers: ClinVar variation 1800592 (VCV001800592.7), dbSNP rs768199360, ClinGen allele CA2231115.
Genomic context (GRCh38, chr3:4,660,972, plus strand): 5'-ATTATATTCTAGACTAGGGGCTATAGAGTAAACCTCAATATTTATTTCCCTAAAACCCTC[C>CT]TTTTTTCCCTGTTAGGAACTCTTATGTTCGGCTCAGACACCTATGTACTAATACCTGGGT-3'